The following is an entry in ClinVar:

ClinVar aggregate classification (germline): Uncertain significance (1 of 4 stars; one submission).

Allele frequency attached by ClinVar (database versions not stated): gnomAD exomes below 0.00001; ExAC 0.00001.
gnomAD v4.1: 2 of 1,613,920 alleles (0.00012%); highest among the groups gnomAD compares: South Asian, 0.0011%; no homozygotes.

Submission:

Labcorp Genetics (formerly Invitae), Labcorp
Classification: Uncertain significance. Last evaluated: 2022-08-09. Review status: criteria provided, single submitter. Criteria: Invitae Variant Classification Sherloc (09022015). Collection method: clinical testing. Allele origin: germline.
Comment: This sequence change replaces isoleucine, which is neutral and non-polar, with threonine, which is neutral and polar, at codon 666 of the MTTP protein (p.Ile666Thr). This variant is present in population databases (rs768476408, gnomAD 0.003%). This variant has not been reported in the literature in individuals affected with MTTP-related conditions. Algorithms developed to predict the effect of missense changes on protein structure and function are either unavailable or do not agree on the potential impact of this missense change (SIFT: "Deleterious"; PolyPhen-2: "Benign"; Align-GVGD: "Class C0"). In summary, the available evidence is currently insufficient to determine the role of this variant in disease. Therefore, it has been classified as a Variant of Uncertain Significance.

NM_001386140.1(MTTP):c.1997T>C (p.Ile666Thr)

Gene: MTTP (microsomal triglyceride transfer protein; plus strand). Cytogenetic location: 4q23.
Variant type: single nucleotide variant.
Coding change: c.1997T>C on transcript NM_001386140.1 (MANE Select); coding-DNA position 1997, T replaced by C.
Protein change: p.Ile666Thr; replaces isoleucine 666 with threonine.
Molecular consequence: missense variant.
Genome position (GRCh38, 1-based): chr4:99,612,920, T>C. VCF-style: chr4-99612920-T-C. GRCh37 (hg19) VCF-style: chr4-100534077-T-C.
Other names: c.1997T>C, p.Ile666Thr (NM_000253.4); c.1748T>C, p.Ile583Thr (NM_001300785.2); short protein forms I666T, I583T.
Identifiers: ClinVar variation 1920584 (VCV001920584.2), dbSNP rs768476408, ClinGen allele CA3022273.
Genomic context (GRCh38, chr4:99,612,920, plus strand): 5'-TTACAGAGCAGGCAGGGAGCTTGCGTCATGAACATTATATTGATTTTATCCAGGTGGTTA[T>C]TGAAGCCCAAGGACTGGAAGCCTTAATCGCAGCCACCCCTGACGAGGGGGAGGAGAACCT-3'
Protein context (NP_001373069.1, residues 656-676): KAGLHGSQVV[Ile666Thr]EAQGLEALIA